The following is an entry in ClinVar:

ClinVar aggregate classification (germline): Conflicting classifications of pathogenicity. Review status: criteria provided, conflicting classifications (1 of 4 stars). 3 submissions from 3 submitters: Uncertain significance (1); Likely benign (2). Last evaluated 2025-12-15.

Conditions:
Curry-Hall syndrome (WAD). Also called: WEYERS ACRODENTAL DYSOSTOSIS. Identifiers: Orphanet 952, MedGen C0457013, MONDO:0008673, OMIM 193530.
Ellis-van Creveld syndrome (EVC). Also called: Chondroectodermal dysplasia; MESOECTODERMAL DYSPLASIA. Identifiers: Orphanet 289, MedGen C0013903, MONDO:0009162, OMIM 225500.
EVC2-related disorder. Also called: EVC2-related condition.

Allele frequency attached by ClinVar (database versions not stated): gnomAD exomes 0.00006 and 0.00015; ExAC 0.00022; 1000 Genomes Project 30x 0.00031; 1000 Genomes Project 0.00040; TOPMed below 0.00001; gnomAD 0.00002.
gnomAD v4.1: 88 of 1,614,220 alleles (0.0055%); highest among the groups gnomAD compares: South Asian, 0.092%; no homozygotes.

Submissions (3):

Labcorp Genetics (formerly Invitae), Labcorp
Classification: Likely benign for Curry-Hall syndrome; Ellis-van Creveld syndrome. Last evaluated: 2025-12-15. Review status: criteria provided, single submitter. Criteria: Invitae Variant Classification Sherloc (09022015). Collection method: clinical testing. Allele origin: germline.

PreventionGenetics, part of Exact Sciences
Classification: Likely benign for EVC2-related condition. Last evaluated: 2025-09-23. Review status: criteria provided, single submitter. Criteria: ACMG Guidelines, 2015. Collection method: clinical testing. Allele origin: germline.
Comment: This variant is classified as likely benign based on ACMG/AMP sequence variant interpretation guidelines (Richards et al. 2015 PMID: 25741868, with internal and published modifications).

Illumina Laboratory Services, Illumina
Classification: Uncertain significance for Ellis-van Creveld syndrome. Last evaluated: 2018-01-12. Review status: criteria provided, single submitter. Criteria: ICSL Variant Classification Criteria 13 December 2019. Collection method: clinical testing. Allele origin: germline.

NM_147127.5(EVC2):c.3174G>A (p.Leu1058=)

Gene: EVC2 (EvC ciliary complex subunit 2; minus strand). Cytogenetic location: 4p16.2.
Variant type: single nucleotide variant.
Coding change: c.3174G>A on transcript NM_147127.5 (MANE Select); coding-DNA position 3174, G replaced by A.
Protein change: p.Leu1058=; no amino-acid change (leucine 1058 retained).
Molecular consequence: synonymous variant.
Genome position (GRCh38, 1-based): chr4:5,576,338, C>T on the plus strand (G>A on the coding strand, the complement: EVC2 is on the minus strand). VCF-style: chr4-5576338-C-T. GRCh37 (hg19) VCF-style: chr4-5578065-C-T.
Other names: c.2934G>A, p.Leu978= (NM_001166136.2).
Identifiers: ClinVar variation 348987 (VCV000348987.17), dbSNP rs555652075, ClinGen allele CA2834424.